The following is an entry in ClinVar:

ClinVar aggregate classification (germline): Benign. Review status: criteria provided, multiple submitters, no conflicts (2 of 4 stars). 2 submissions from 2 submitters: Benign (2). Last evaluated 2018-01-12.

Conditions:
Fanconi anemia complementation group D2. Also called: FANCD2-Related Fanconi Anemia; FANCONI PANCYTOPENIA, TYPE 4; FANCONI ANEMIA, COMPLEMENTATION GROUP D. Identifiers: Orphanet 84, MedGen C3160738, MONDO:0009214, OMIM 227646.

Allele frequency attached by ClinVar (database versions not stated): 1000 Genomes Project 30x 0.20300; 1000 Genomes Project 0.20607; gnomAD 0.30309 and 0.30572; TOPMed 0.28077; gnomAD exomes 0.37389.
gnomAD v4.1: 77,459 of 235,388 alleles (33%); highest among the groups gnomAD compares: Middle Eastern, 45%; 15,197 homozygotes.

Submissions (2):

Illumina Laboratory Services, Illumina
Classification: Benign for Fanconi anemia complementation group D2. Last evaluated: 2018-01-12. Review status: criteria provided, single submitter. Criteria: ICSL Variant Classification Criteria 13 December 2019. Collection method: clinical testing. Allele origin: germline.
Comment: This variant was observed in the ICSL laboratory as part of a predisposition screen in an ostensibly healthy population. It had not been previously curated by ICSL or reported in the Human Gene Mutation Database (HGMD: prior to June 1st, 2018), and was therefore a candidate for classification through an automated scoring system. Utilizing variant allele frequency, disease prevalence and penetrance estimates, and inheritance mode, an automated score was calculated to assess if this variant is too frequent to cause the disease. Based on the score and internal cut-off values, a variant classified as benign is not then subjected to further curation. The score for this variant resulted in a classification of benign for this disease.

Breakthrough Genomics
Classification: Benign. Review status: criteria provided, single submitter. Criteria: ACMG Guidelines, 2015. Collection method: not provided. Allele origin: germline. Inheritance: Autosomal recessive inheritance. Affected: yes.

NM_001018115.3(FANCD2):c.4281+685C>T

Genes: FANCD2 (FA complementation group D2; plus strand), FANCD2OS (FANCD2 opposite strand; minus strand). Cytogenetic location: 3p25.3.
Variant type: single nucleotide variant.
Coding change: c.4281+685C>T on transcript NM_001018115.3 (MANE Select); 685 bases into the intron after coding-DNA position 4281, C replaced by T.
Molecular consequence: intron variant.
Genome position (GRCh38, 1-based): chr3:10,099,500, C>T. VCF-style: chr3-10099500-C-T. GRCh37 (hg19) VCF-style: chr3-10141184-C-T.
Other names: c.*550C>T (NM_033084.3); c.4281+685C>T (NM_001319984.2); c.4170+685C>T (NM_001374253.1); c.*43+4698G>A (NM_173472.2).
Identifiers: ClinVar variation 342394 (VCV000342394.8), dbSNP rs11716842, ClinGen allele CA10616692.